The following is an entry in ClinVar:

ClinVar aggregate classification (germline): Uncertain significance (1 of 4 stars; one submission).

Allele frequency attached by ClinVar (database versions not stated): gnomAD exomes below 0.00001.
gnomAD v4.1: 1 of 1,613,960 alleles (0.000062%); highest among the groups gnomAD compares: Non-Finnish European, 0.000085%; no homozygotes.

Submission:

Labcorp Genetics (formerly Invitae), Labcorp
Classification: Uncertain significance. Last evaluated: 2022-06-04. Review status: criteria provided, single submitter. Criteria: Invitae Variant Classification Sherloc (09022015). Collection method: clinical testing. Allele origin: germline.
Comment: This sequence change replaces glutamine, which is neutral and polar, with arginine, which is basic and polar, at codon 1600 of the COL11A1 protein (p.Gln1600Arg). This variant is not present in population databases (gnomAD no frequency). This variant has not been reported in the literature in individuals affected with COL11A1-related conditions. Advanced modeling of protein sequence and biophysical properties (such as structural, functional, and spatial information, amino acid conservation, physicochemical variation, residue mobility, and thermodynamic stability) performed at Invitae indicates that this missense variant is not expected to disrupt COL11A1 protein function. In summary, the available evidence is currently insufficient to determine the role of this variant in disease. Therefore, it has been classified as a Variant of Uncertain Significance.

NM_001854.4(COL11A1):c.4799A>G (p.Gln1600Arg)

Gene: COL11A1 (collagen type XI alpha 1 chain; minus strand). Cytogenetic location: 1p21.1.
Variant type: single nucleotide variant.
Coding change: c.4799A>G on transcript NM_001854.4 (MANE Select); coding-DNA position 4799, A replaced by G.
Protein change: p.Gln1600Arg; replaces glutamine 1600 with arginine.
Molecular consequence: missense variant. On other transcripts: non-coding transcript variant (1).
Genome position (GRCh38, 1-based): chr1:102,886,866, T>C on the plus strand (A>G on the coding strand, the complement: COL11A1 is on the minus strand). VCF-style: chr1-102886866-T-C. GRCh37 (hg19) VCF-style: chr1-103352422-T-C.
Other names: c.4451A>G, p.Gln1484Arg (NM_001168249.1, NM_080630.4); c.4682A>G, p.Gln1561Arg (NM_001190709.2); c.4835A>G, p.Gln1612Arg (NM_080629.3); short protein forms Q1561R, Q1612R, Q1484R, Q1600R.
Identifiers: ClinVar variation 2037499 (VCV002037499.4), dbSNP rs2524226405, ClinGen allele CA341211830.